The following is an entry in ClinVar:

NM_001013838.3(CARMIL2):c.3024C>G (p.Asp1008Glu)

Gene: CARMIL2 (capping protein regulator and myosin 1 linker 2; plus strand). Cytogenetic location: 16q22.1.
Variant type: single nucleotide variant.
Coding change: c.3024C>G on transcript NM_001013838.3 (MANE Select); coding-DNA position 3024, C replaced by G.
Protein change: p.Asp1008Glu; replaces aspartic acid 1008 with glutamic acid.
Molecular consequence: missense variant.
Genome position (GRCh38, 1-based): chr16:67,653,158, C>G. VCF-style: chr16-67653158-C-G. GRCh37 (hg19) VCF-style: chr16-67687061-C-G.
Other names: c.2916C>G, p.Asp972Glu (NM_001317026.3); short protein forms D1008E, D972E.
Identifiers: ClinVar variation 1943487 (VCV001943487.3), dbSNP rs986934353, ClinGen allele CA283210340.

ClinVar aggregate classification (germline): Uncertain significance (1 of 4 stars; one submission).

Submission:

Labcorp Genetics (formerly Invitae), Labcorp
Classification: Uncertain significance. Last evaluated: 2022-06-25. Review status: criteria provided, single submitter. Criteria: Invitae Variant Classification Sherloc (09022015). Collection method: clinical testing. Allele origin: germline.
Comment: This variant has not been reported in the literature in individuals affected with CARMIL2-related conditions. In summary, the available evidence is currently insufficient to determine the role of this variant in disease. Therefore, it has been classified as a Variant of Uncertain Significance. Algorithms developed to predict the effect of missense changes on protein structure and function are either unavailable or do not agree on the potential impact of this missense change (SIFT: "Tolerated"; PolyPhen-2: "Probably Damaging"; Align-GVGD: "Class C0"). This variant is present in population databases (no rsID available, gnomAD 0.01%). This sequence change replaces aspartic acid, which is acidic and polar, with glutamic acid, which is acidic and polar, at codon 1008 of the CARMIL2 protein (p.Asp1008Glu).